The following is an entry in ClinVar:

ClinVar aggregate classification (germline): Uncertain significance (1 of 4 stars; one submission).

Conditions:
Inborn genetic diseases. Identifiers: MedGen C0950123, MeSH D030342.

Submission:

Ambry Genetics
Classification: Uncertain significance for Inborn genetic diseases. Last evaluated: 2025-05-12. Review status: criteria provided, single submitter. Criteria: Ambry Variant Classification Scheme 2023. Collection method: clinical testing. Allele origin: germline.
Comment: The c.9784G>A (p.G3262S) alteration is located in exon 56 (coding exon 56) of the MYCBP2 gene. This alteration results from a G to A substitution at nucleotide position 9784, causing the glycine (G) at amino acid position 3262 to be replaced by a serine (S). This variant was not reported in population-based cohorts in the Genome Aggregation Database (gnomAD). This nucleotide position is highly conserved in available vertebrate species and this amino acid position is highly conserved in available vertebrate species. This missense alteration is located in a region that has a low rate of benign missense variation (Lek, 2016; Firth, 2009). This amino acid alteration is predicted to be deleterious by in silico analysis. In silico splice site analysis predicts that this alteration will weaken the native splice donor site and will result in the creation or strengthening of a novel splice donor site. Based on insufficient or conflicting evidence, the clinical significance of this alteration remains unclear.

NM_015057.5(MYCBP2):c.9784G>A (p.Gly3262Ser)

Gene: MYCBP2 (MYC binding protein 2; minus strand). Cytogenetic location: 13q22.3.
Variant type: single nucleotide variant.
Coding change: c.9784G>A on transcript NM_015057.5 (MANE Select); coding-DNA position 9784, G replaced by A.
Protein change: p.Gly3262Ser; replaces glycine 3262 with serine.
Molecular consequence: missense variant.
Genome position (GRCh38, 1-based): chr13:77,097,370, C>T on the plus strand (G>A on the coding strand, the complement: MYCBP2 is on the minus strand). VCF-style: chr13-77097370-C-T. GRCh37 (hg19) VCF-style: chr13-77671505-C-T.
Other names: short protein forms G3262S.
Identifiers: ClinVar variation 3915270 (VCV003915270.1).